The following is an entry in ClinVar:

NM_002206.3(ITGA7):c.571C>T (p.His191Tyr)

Gene: ITGA7 (integrin subunit alpha 7; minus strand). Cytogenetic location: 12q13.2.
Variant type: single nucleotide variant.
Coding change: c.571C>T on transcript NM_002206.3 (MANE Select); coding-DNA position 571, C replaced by T.
Protein change: p.His191Tyr; replaces histidine 191 with tyrosine.
Molecular consequence: missense variant. On other transcripts: 5 prime UTR variant (1).
Genome position (GRCh38, 1-based): chr12:55,700,998, G>A on the plus strand (C>T on the coding strand, the complement: ITGA7 is on the minus strand). VCF-style: chr12-55700998-G-A. GRCh37 (hg19) VCF-style: chr12-56094782-G-A.
Other names: p.His191Tyr; c.571C>T, p.His191Tyr (NM_001144996.2, NM_001374465.1, NM_001410977.1 and 5 more transcripts); c.280C>T, p.His94Tyr (NM_001144997.2); c.232C>T, p.His78Tyr (NM_001367993.1, NM_001414035.1); c.-602C>T (NM_001367994.1); short protein forms H191Y, H94Y, H78Y.
Identifiers: ClinVar variation 432368 (VCV000432368.9), dbSNP rs984817118, ClinGen allele CA237577684.

ClinVar aggregate classification (germline): Uncertain significance. Review status: criteria provided, multiple submitters, no conflicts (2 of 4 stars). 5 submissions from 5 submitters: Uncertain significance (5). Last evaluated 2025-06-22.

Conditions:
Congenital muscular dystrophy due to integrin alpha-7 deficiency. Also called: Congenital muscular dystrophy with integrin alpha-7 deficiency; Muscular dystrophy, congenital, due to ITGA7 deficiency; MYOPATHY, CONGENITAL, DUE TO INTEGRIN ALPHA-7 DEFICIENCY. Identifiers: Orphanet 34520, MedGen C2750786, MONDO:0013177, OMIM 613204.

Allele frequency attached by ClinVar (database versions not stated): gnomAD exomes 0.00001; gnomAD 0.00002; TOPMed 0.00002.
gnomAD v4.1: 22 of 1,614,106 alleles (0.0014%); highest among the groups gnomAD compares: African/African-American, 0.0027%; no homozygotes.

Submissions (5):

Mayo Clinic Laboratories, Mayo Clinic
Classification: Uncertain significance. Last evaluated: 2025-06-22. Review status: criteria provided, single submitter. Criteria: ACMG Guidelines, 2015. Collection method: clinical testing. Allele origin: germline. Observed: 1 variant allele.
Comment: PM2_supporting

Ambry Genetics
Classification: Uncertain significance. Last evaluated: 2025-01-22. Review status: criteria provided, single submitter. Criteria: Ambry Variant Classification Scheme 2023. Collection method: clinical testing. Allele origin: germline.

Labcorp Genetics (formerly Invitae), Labcorp
Classification: Uncertain significance for Congenital muscular dystrophy due to integrin alpha-7 deficiency. Last evaluated: 2022-09-13. Review status: criteria provided, single submitter. Criteria: Invitae Variant Classification Sherloc (09022015). Collection method: clinical testing. Allele origin: germline.
Comment: This sequence change replaces histidine, which is basic and polar, with tyrosine, which is neutral and polar, at codon 191 of the ITGA7 protein (p.His191Tyr). This variant is present in population databases (no rsID available, gnomAD 0.003%). This variant has not been reported in the literature in individuals affected with ITGA7-related conditions. ClinVar contains an entry for this variant (Variation ID: 432368). Algorithms developed to predict the effect of missense changes on protein structure and function are either unavailable or do not agree on the potential impact of this missense change (SIFT: "Deleterious"; PolyPhen-2: "Probably Damaging"; Align-GVGD: "Class C0"). In summary, the available evidence is currently insufficient to determine the role of this variant in disease. Therefore, it has been classified as a Variant of Uncertain Significance.

Revvity Omics, Revvity
Classification: Uncertain significance for Congenital muscular dystrophy due to integrin alpha-7 deficiency. Last evaluated: 2021-06-24. Review status: criteria provided, single submitter. Criteria: ACMG Guidelines, 2015. Collection method: clinical testing. Allele origin: germline.

GeneDx
Classification: Uncertain significance. Last evaluated: 2017-06-05. Review status: criteria provided, single submitter. Criteria: GeneDx Variant Classification (06012015). Collection method: clinical testing. Allele origin: germline. Affected: yes.
Comment: A variant of uncertain significance has been identified in the ITGA7 gene. The H191Y variant has not been published as a pathogenic variant, nor has it been reported as a benign variant to our knowledge. The H191Y variant is not observed in large population cohorts (Lek et al., 2016; 1000 Genomes Consortium et al., 2015; Exome Variant Server). The H191Y variant is a non-conservative amino acid substitution, which is likely to impact secondary protein structure as these residues differ in polarity, charge, size and/or other properties. This substitution occurs at a position that is conserved across species, and in silico analysis predicts this variant is probably damaging to the protein structure/function. Based on the currently available information, it is unclear whether this variant is a pathogenic variant or a rare benign variant.